The following is an entry in ClinVar:

ClinVar aggregate classification (germline): Uncertain significance. Review status: criteria provided, multiple submitters, no conflicts (2 of 4 stars). 2 submissions from 2 submitters: Uncertain significance (2). Last evaluated 2023-09-29.

Conditions:
POLD1-related polyposis and colorectal cancer syndrome (CRCS10). Also called: Colorectal cancer 10; COLORECTAL CANCER, SUSCEPTIBILITY TO, ON CHROMOSOME 19q; Colorectal cancer, susceptibility to, 10. Identifiers: Orphanet 220460, MedGen C2675481, MONDO:0012953, OMIM 612591.
Hereditary cancer-predisposing syndrome. Also called: Hereditary neoplastic syndrome; Tumor predisposition; Neoplastic Syndromes, Hereditary; Hereditary Cancer Syndrome. Identifiers: Orphanet 140162, MedGen C0027672, MeSH D009386, MONDO:0015356.

Submissions (2):

Ambry Genetics
Classification: Uncertain significance for Hereditary cancer-predisposing syndrome. Last evaluated: 2023-09-29. Review status: criteria provided, single submitter. Criteria: Ambry Variant Classification Scheme 2023. Collection method: clinical testing. Allele origin: germline.
Comment: The p.E55D variant (also known as c.165G>C), located in coding exon 1 of the POLD1 gene, results from a G to C substitution at nucleotide position 165. The glutamic acid at codon 55 is replaced by aspartic acid, an amino acid with highly similar properties. This amino acid position is conserved. In addition, this alteration is predicted to be tolerated by in silico analysis. Since supporting evidence is limited at this time, the clinical significance of this alteration remains unclear.

Labcorp Genetics (formerly Invitae), Labcorp
Classification: Uncertain significance for POLD1-related polyposis and colorectal cancer syndrome. Last evaluated: 2023-01-15. Review status: criteria provided, single submitter. Criteria: Invitae Variant Classification Sherloc (09022015). Collection method: clinical testing. Allele origin: germline.
Comment: This variant is not present in population databases (gnomAD no frequency). In summary, the available evidence is currently insufficient to determine the role of this variant in disease. Therefore, it has been classified as a Variant of Uncertain Significance. Algorithms developed to predict the effect of missense changes on protein structure and function are either unavailable or do not agree on the potential impact of this missense change (SIFT: "Tolerated"; PolyPhen-2: "Probably Damaging"; Align-GVGD: "Class C0"). ClinVar contains an entry for this variant (Variation ID: 943853). This variant has not been reported in the literature in individuals affected with POLD1-related conditions. This sequence change replaces glutamic acid, which is acidic and polar, with aspartic acid, which is acidic and polar, at codon 55 of the POLD1 protein (p.Glu55Asp).

NM_002691.4(POLD1):c.165G>C (p.Glu55Asp)

Gene: POLD1 (DNA polymerase delta 1, catalytic subunit; plus strand). Cytogenetic location: 19q13.33.
Variant type: single nucleotide variant.
Coding change: c.165G>C on transcript NM_002691.4 (MANE Select); coding-DNA position 165, G replaced by C.
Protein change: p.Glu55Asp; replaces glutamic acid 55 with aspartic acid.
Molecular consequence: missense variant. On other transcripts: non-coding transcript variant (1).
Genome position (GRCh38, 1-based): chr19:50,399,016, G>C. VCF-style: chr19-50399016-G-C. GRCh37 (hg19) VCF-style: chr19-50902273-G-C.
Other names: c.165G>C, p.Glu55Asp (NM_001256849.1, NM_001308632.1); c.165G>C (NM_002691.2); short protein forms E55D.
Identifiers: ClinVar variation 943853 (VCV000943853.10), dbSNP rs1060504346, ClinGen allele CA406970289.